The following is an entry in ClinVar:

NM_030958.3(SLCO5A1):c.1214C>T (p.Ala405Val)

Gene: SLCO5A1 (solute carrier organic anion transporter family member 5A1; minus strand). Cytogenetic location: 8q13.3.
Variant type: single nucleotide variant.
Coding change: c.1214C>T on transcript NM_030958.3 (MANE Select); coding-DNA position 1214, C replaced by T.
Protein change: p.Ala405Val; replaces alanine 405 with valine.
Molecular consequence: missense variant.
Genome position (GRCh38, 1-based): chr8:69,755,468, G>A on the plus strand (C>T on the coding strand, the complement: SLCO5A1 is on the minus strand). VCF-style: chr8-69755468-G-A. GRCh37 (hg19) VCF-style: chr8-70667703-G-A.
Other names: c.1214C>T, p.Ala405Val (NM_001146008.2, NM_001146009.1); short protein forms A405V.
Identifiers: ClinVar variation 2887194 (VCV002887194.3), dbSNP rs144396521, ClinGen allele CA4776633.

ClinVar aggregate classification (germline): Uncertain significance (1 of 4 stars; one submission).

Allele frequency attached by ClinVar (database versions not stated): ExAC 0.00002; gnomAD 0.00002; TOPMed 0.00002; ESP Exome Variant Server 0.00008.

Submission:

Labcorp Genetics (formerly Invitae), Labcorp
Classification: Uncertain significance. Last evaluated: 2024-10-17. Review status: criteria provided, single submitter. Criteria: Invitae Variant Classification Sherloc (09022015). Collection method: clinical testing. Allele origin: germline.
Comment: This sequence change replaces alanine, which is neutral and non-polar, with valine, which is neutral and non-polar, at codon 405 of the SLCO5A1 protein (p.Ala405Val). This variant is present in population databases (rs144396521, gnomAD 0.006%). This variant has not been reported in the literature in individuals affected with SLCO5A1-related conditions. An algorithm developed to predict the effect of missense changes on protein structure and function outputs the following: PolyPhen-2: "Benign". The valine amino acid residue is found in multiple mammalian species, which suggests that this missense change does not adversely affect protein function. In summary, the available evidence is currently insufficient to determine the role of this variant in disease. Therefore, it has been classified as a Variant of Uncertain Significance.